The following is an entry in ClinVar:

ClinVar aggregate classification (germline): Likely pathogenic (1 of 4 stars; one submission).

Submission:

Labcorp Genetics (formerly Invitae), Labcorp
Classification: Likely pathogenic. Last evaluated: 2023-05-03. Review status: criteria provided, single submitter. Criteria: Invitae Variant Classification Sherloc (09022015). Collection method: clinical testing. Allele origin: germline.
Comment: This variant results in the deletion of part of exon 9 (c.2127-1_2129del) of the LEMD3 gene. It is expected to disrupt RNA splicing. Variants that disrupt the donor or acceptor splice site typically lead to a loss of protein function (PMID: 16199547), and loss-of-function variants in LEMD3 are known to be pathogenic (PMID: 15489854, 19438932). This variant is not present in population databases (gnomAD no frequency). This variant has been observed in individual(s) with clinical features of osteopoikilosis (Invitae). Algorithms developed to predict the effect of sequence changes on RNA splicing suggest that this variant may disrupt the consensus splice site. In summary, the currently available evidence indicates that the variant is pathogenic, but additional data are needed to prove that conclusively. Therefore, this variant has been classified as Likely Pathogenic.

Literature cited by the submitters: PubMed 16199547; PubMed 15489854; PubMed 19438932.

NM_014319.5(LEMD3):c.2127-1_2129del

Gene: LEMD3 (LEM domain containing 3; plus strand). Cytogenetic location: 12q14.3.
Variant type: Deletion.
Coding change: c.2127-1_2129del on transcript NM_014319.5 (MANE Select); the canonical splice acceptor site of the intron before coding-DNA position 2127 through coding-DNA position 2129, 4 bases deleted (GGAA; older notation c.2127-1_2129delGGAA).
Molecular consequence: splice acceptor variant.
Genome position (GRCh38, 1-based): chr12:65,240,908-65,240,911, GGAA deleted; deleting any 4 consecutive bases within chr12:65,240,907-65,240,911 gives the same sequence; the c. name uses the placement nearest the transcript's 3' end. VCF-style (leftmost placement, unchanged base first): chr12-65240906-TAGGA-T. GRCh37 (hg19) VCF-style: chr12-65634686-TAGGA-T.
Other names: c.2124-1_2126del (NM_001167614.2).
Identifiers: ClinVar variation 2859789 (VCV002859789.3), dbSNP rs2498908670, ClinGen allele CA2739272179.